The following is an entry in ClinVar:

ClinVar aggregate classification (germline): Conflicting classifications of pathogenicity. Review status: criteria provided, conflicting classifications (1 of 4 stars). 8 submissions from 6 submitters: Uncertain significance (4); Likely benign (4). Last evaluated 2026-01-25.

Conditions:
DE SANCTIS-CACCHIONE SYNDROME. Identifiers: MedGen C0265201, MONDO:0010217, OMIM 278800.
Premature ovarian failure 11 (POF11). Identifiers: MedGen C4310783, MONDO:0014843, OMIM 616946.
Lung cancer. Also called: Lung cancer, somatic; Malignant tumor of lung. Identifiers: MedGen C0242379, MONDO:0008903, OMIM 211980.
UV-sensitive syndrome 1 (UVSS1). Identifiers: Orphanet 178338, MedGen C3551173, MONDO:0010909, OMIM 600630.
Cockayne syndrome type 2 (CSB). Also called: COCKAYNE SYNDROME B; Cockayne Syndrome, Type II. Identifiers: Orphanet 191, Orphanet 90322, MedGen C0751038, MONDO:0019570, OMIM 133540.
Cerebrooculofacioskeletal syndrome 1 (COFS1). Also called: Cerebro-oculo-facio-skeletal syndrome 1. Identifiers: MedGen C0220722, MONDO:0008955, OMIM 214150.
Inborn genetic diseases. Identifiers: MedGen C0950123, MeSH D030342.
Age related macular degeneration 5. Identifiers: MedGen C3151063, MONDO:0013409, OMIM 613761.

Allele frequency attached by ClinVar (database versions not stated): 1000 Genomes Project 30x 0.00016; 1000 Genomes Project 0.00020; gnomAD 0.00048 and 0.00063; TOPMed 0.00070; ESP Exome Variant Server 0.00085.
gnomAD v4.1: 1,860 of 1,614,172 alleles (0.12%); highest among the groups gnomAD compares: Non-Finnish European, 0.15%; 5 homozygotes.

Submissions (8):

Labcorp Genetics (formerly Invitae), Labcorp
Classification: Likely benign. Last evaluated: 2026-01-25. Review status: criteria provided, single submitter. Criteria: Invitae Variant Classification Sherloc (09022015). Collection method: clinical testing. Allele origin: germline.

CeGaT Center for Human Genetics Tuebingen
Classification: Likely benign. Last evaluated: 2025-07-01. Review status: criteria provided, single submitter. Criteria: CeGaT Center For Human Genetics Tuebingen Variant Classification Criteria Version 2. Collection method: clinical testing. Allele origin: germline. Affected: yes. Observed: 4 variant alleles.
Comment: ERCC6: BP4

Department of Pathology and Laboratory Medicine, Sinai Health System
Classification: Uncertain significance for Cockayne syndrome type 2; Lung cancer; Cerebrooculofacioskeletal syndrome 1; DE SANCTIS-CACCHIONE SYNDROME; UV-sensitive syndrome 1; Premature ovarian failure 11. Last evaluated: 2023-11-08. Review status: criteria provided, single submitter. Criteria: ACMG Guidelines, 2015. Collection method: research. Allele origin: germline.

Ambry Genetics
Classification: Likely benign for Inborn genetic diseases. Last evaluated: 2021-12-28. Review status: criteria provided, single submitter. Criteria: Ambry Variant Classification Scheme 2023. Collection method: clinical testing. Allele origin: germline.

Mayo Clinic Laboratories, Mayo Clinic
Classification: Uncertain significance. Last evaluated: 2019-10-20. Review status: criteria provided, single submitter. Criteria: ACMG Guidelines, 2015. Collection method: clinical testing. Allele origin: germline. Observed: 1 variant allele.

Illumina Laboratory Services, Illumina
Classification: Likely benign for Age related macular degeneration 5. Last evaluated: 2018-01-13. Review status: criteria provided, single submitter. Criteria: ICSL Variant Classification Criteria 13 December 2019. Collection method: clinical testing. Allele origin: germline.
Comment: This variant was observed in the ICSL laboratory as part of a predisposition screen in an ostensibly healthy population. It had not been previously curated by ICSL or reported in the Human Gene Mutation Database (HGMD: prior to June 1st, 2018), and was therefore a candidate for classification through an automated scoring system. Utilizing variant allele frequency, disease prevalence and penetrance estimates, and inheritance mode, an automated score was calculated to assess if this variant is too frequent to cause the disease. Based on the score and internal cut-off values, a variant classified as likely benign is not then subjected to further curation. The score for this variant resulted in a classification of likely benign for this disease.

Illumina Laboratory Services, Illumina
Classification: Uncertain significance for Cockayne syndrome type 2. Last evaluated: 2018-01-13. Review status: criteria provided, single submitter. Criteria: ICSL Variant Classification Criteria 13 December 2019. Collection method: clinical testing. Allele origin: germline.

Illumina Laboratory Services, Illumina
Classification: Uncertain significance for Cerebrooculofacioskeletal syndrome 1. Last evaluated: 2018-01-13. Review status: criteria provided, single submitter. Criteria: ICSL Variant Classification Criteria 13 December 2019. Collection method: clinical testing. Allele origin: germline.

NM_000124.4(ERCC6):c.3391A>G (p.Asn1131Asp)

Gene: ERCC6 (ERCC excision repair 6, chromatin remodeling factor; minus strand). Cytogenetic location: 10q11.23.
Variant type: single nucleotide variant.
Coding change: c.3391A>G on transcript NM_000124.4 (MANE Select); coding-DNA position 3391, A replaced by G.
Protein change: p.Asn1131Asp; replaces asparagine 1131 with aspartic acid.
Molecular consequence: missense variant.
Genome position (GRCh38, 1-based): chr10:49,470,569, T>C on the plus strand (A>G on the coding strand, the complement: ERCC6 is on the minus strand). VCF-style: chr10-49470569-T-C. GRCh37 (hg19) VCF-style: chr10-50678615-T-C.
Other names: c.3391A>G (NM_000124.2); c.3391A>G, p.Asn1131Asp (NM_001346440.2); short protein forms N1131D.
Identifiers: ClinVar variation 300051 (VCV000300051.58), dbSNP rs147079519, ClinGen allele CA5495358.